The following is an entry in ClinVar:

ClinVar aggregate classification (germline): Conflicting classifications of pathogenicity. Review status: criteria provided, conflicting classifications (1 of 4 stars). 2 submissions from 2 submitters: Likely pathogenic (1); Uncertain significance (1). Last evaluated 2026-02-05.

gnomAD v4.1: 1 of 1,611,016 alleles (0.000062%); highest among the groups gnomAD compares: Non-Finnish European, 0.000085%; no homozygotes.

Submissions (2):

GeneDx
Classification: Uncertain significance. Last evaluated: 2026-02-05. Review status: criteria provided, single submitter. Criteria: GeneDx Variant Classification Process June 2021. Collection method: clinical testing. Allele origin: germline. Affected: yes.
Comment: Not observed at significant frequency in large population cohorts (gnomAD); In silico analysis supports that this missense variant has a deleterious effect on protein structure/function; In silico analysis is inconclusive as to whether the variant alters gene splicing. In the absence of RNA/functional studies, the actual effect of this sequence change is unknown.; Has not been previously published as pathogenic or benign to our knowledge

Labcorp Genetics (formerly Invitae), Labcorp
Classification: Likely pathogenic. Last evaluated: 2022-04-25. Review status: criteria provided, single submitter. Criteria: Invitae Variant Classification Sherloc (09022015). Collection method: clinical testing. Allele origin: germline.
Comment: In summary, the currently available evidence indicates that the variant is pathogenic, but additional data are needed to prove that conclusively. Therefore, this variant has been classified as Likely Pathogenic. Algorithms developed to predict the effect of missense changes on protein structure and function are either unavailable or do not agree on the potential impact of this missense change (SIFT: "Deleterious"; PolyPhen-2: "Probably Damaging"; Align-GVGD: "Class C0"). ClinVar contains an entry for this variant (Variation ID: 1326739). This missense change has been observed in individual(s) with clinical features of CANCA1E-related conditions (Invitae). In at least one individual the variant was observed to be de novo. This variant is not present in population databases (gnomAD no frequency). This sequence change replaces arginine, which is basic and polar, with tryptophan, which is neutral and slightly polar, at codon 196 of the CACNA1E protein (p.Arg196Trp).

NM_001205293.3(CACNA1E):c.586C>T (p.Arg196Trp)

Gene: CACNA1E (calcium voltage-gated channel subunit alpha1 E; plus strand). Cytogenetic location: 1q25.3.
Variant type: single nucleotide variant.
Coding change: c.586C>T on transcript NM_001205293.3 (MANE Select); coding-DNA position 586, C replaced by T.
Protein change: p.Arg196Trp; replaces arginine 196 with tryptophan.
Molecular consequence: missense variant.
Genome position (GRCh38, 1-based): chr1:181,577,839, C>T. VCF-style: chr1-181577839-C-T. GRCh37 (hg19) VCF-style: chr1-181546975-C-T.
Other names: c.586C>T, p.Arg196Trp (NM_000721.4, NM_001205294.2); short protein forms R196W.
Identifiers: ClinVar variation 1326739 (VCV001326739.7), dbSNP rs1651121815, ClinGen allele CA343846832.